The following is an entry in ClinVar:

NM_001271.4(CHD2):c.998A>T (p.Lys333Met)

Gene: CHD2 (chromodomain helicase DNA binding protein 2; plus strand). Cytogenetic location: 15q26.1.
Variant type: single nucleotide variant.
Coding change: c.998A>T on transcript NM_001271.4 (MANE Select); coding-DNA position 998, A replaced by T.
Protein change: p.Lys333Met; replaces lysine 333 with methionine.
Molecular consequence: missense variant.
Genome position (GRCh38, 1-based): chr15:92,943,014, A>T. VCF-style: chr15-92943014-A-T. GRCh37 (hg19) VCF-style: chr15-93486244-A-T.
Other names: c.998A>T, p.Lys333Met (NM_001042572.3); short protein forms K333M.
Identifiers: ClinVar variation 2111407 (VCV002111407.4), dbSNP rs1309227037, ClinGen allele CA393902098.

ClinVar aggregate classification (germline): Uncertain significance (1 of 4 stars; one submission).

Conditions:
Developmental and epileptic encephalopathy 94 (DEE94). Also called: CHD2-Related Neurodevelopmental Disorders; Epileptic encephalopathy, childhood-onset. Identifiers: Orphanet 1942, Orphanet 2382, MedGen C3809278, MONDO:0014150, OMIM 615369.

Allele frequency attached by ClinVar (database versions not stated): gnomAD 0.00001.
gnomAD v4.1: 1 of 1,613,998 alleles (0.000062%); highest among the groups gnomAD compares: African/African-American, 0.0013%; no homozygotes.

Submission:

Labcorp Genetics (formerly Invitae), Labcorp
Classification: Uncertain significance for Developmental and epileptic encephalopathy 94. Last evaluated: 2023-05-20. Review status: criteria provided, single submitter. Criteria: Invitae Variant Classification Sherloc (09022015). Collection method: clinical testing. Allele origin: germline.
Comment: ClinVar contains an entry for this variant (Variation ID: 2111407). This sequence change replaces lysine, which is basic and polar, with methionine, which is neutral and non-polar, at codon 333 of the CHD2 protein (p.Lys333Met). This variant is present in population databases (no rsID available, gnomAD 0.01%). This variant has not been reported in the literature in individuals affected with CHD2-related conditions. Advanced modeling of protein sequence and biophysical properties (such as structural, functional, and spatial information, amino acid conservation, physicochemical variation, residue mobility, and thermodynamic stability) performed at Invitae indicates that this missense variant is not expected to disrupt CHD2 protein function. In summary, the available evidence is currently insufficient to determine the role of this variant in disease. Therefore, it has been classified as a Variant of Uncertain Significance.